The following is an entry in ClinVar:

NM_014738.6(TMEM94):c.892C>T (p.Leu298=)

Gene: TMEM94 (transmembrane protein 94; plus strand). Cytogenetic location: 17q25.1.
Variant type: single nucleotide variant.
Coding change: c.892C>T on transcript NM_014738.6 (MANE Select); coding-DNA position 892, C replaced by T.
Protein change: p.Leu298=; no amino-acid change (leucine 298 retained).
Molecular consequence: synonymous variant.
Genome position (GRCh38, 1-based): chr17:75,489,600, C>T. VCF-style: chr17-75489600-C-T. GRCh37 (hg19) VCF-style: chr17-73485681-C-T.
Other names: c.922C>T, p.Leu308= (NM_001321148.2, NM_001351203.2); c.892C>T, p.Leu298= (NM_001321149.2, NM_001351202.2); c.892C>T (NM_014738.5).
Identifiers: ClinVar variation 2648253 (VCV002648253.26), dbSNP rs146050384, ClinGen allele CA8761647.

ClinVar aggregate classification (germline): Likely benign. Review status: criteria provided, multiple submitters, no conflicts (2 of 4 stars). 3 submissions from 3 submitters: Likely benign (2). 1 of the submissions does not count toward it. Last evaluated 2024-11-26.

Conditions:
TMEM94-related disorder. Also called: TMEM94-related condition.

Allele frequency attached by ClinVar (database versions not stated): 1000 Genomes Project 30x 0.00047; 1000 Genomes Project 0.00060; gnomAD 0.00064; TOPMed 0.00064; ExAC 0.00084; gnomAD exomes 0.00106; ESP Exome Variant Server 0.00123.
gnomAD v4.1: 1,616 of 1,614,116 alleles (0.1%); highest among the groups gnomAD compares: Non-Finnish European, 0.13%; no homozygotes.

Submissions (3):

Blueprint Genetics
Classification: Likely benign. Last evaluated: 2024-11-26. Review status: criteria provided, single submitter. Criteria: ACMG Guidelines, 2015. Collection method: clinical testing. Allele origin: germline.

CeGaT Center for Human Genetics Tuebingen
Classification: Likely benign. Last evaluated: 2024-08-01. Review status: criteria provided, single submitter. Criteria: CeGaT Center For Human Genetics Tuebingen Variant Classification Criteria Version 2. Collection method: clinical testing. Allele origin: germline. Affected: yes. Observed: 4 variant alleles.
Comment: TMEM94: BP4, BP7

PreventionGenetics, part of Exact Sciences
Classification: Likely benign for TMEM94-related condition. Last evaluated: 2019-07-23. Review status: no assertion criteria provided. Collection method: clinical testing. Allele origin: germline. Not counted in ClinVar's aggregate classification.
Comment: This variant is classified as likely benign based on ACMG/AMP sequence variant interpretation guidelines (Richards et al. 2015 PMID: 25741868, with internal and published modifications).